The following is an entry in ClinVar:

ClinVar aggregate classification (germline): Likely pathogenic (1 of 4 stars; one submission).

Conditions:
Familial thoracic aortic aneurysm and aortic dissection (TAAD). Also called: Thoracic aortic aneurysms and dissections. Identifiers: Orphanet 91387, MedGen C4707243, MONDO:0019625.

Submission:

Ambry Genetics
Classification: Likely pathogenic for Familial thoracic aortic aneurysm and aortic dissection. Last evaluated: 2025-04-25. Review status: criteria provided, single submitter. Criteria: Ambry Variant Classification Scheme 2023. Collection method: clinical testing. Allele origin: germline.
Comment: The c.742G>C (p.G248R) alteration is located in exon 4 (coding exon 4) of the NOTCH1 gene. This alteration results from a G to C substitution at nucleotide position 742, causing the glycine (G) at amino acid position 248 to be replaced by an arginine (R). However, this change occurs in the last base pair of coding exon 4, which makes it likely to have some effect on normal mRNA splicing. This variant was not reported in population-based cohorts in the Genome Aggregation Database (gnomAD). This nucleotide position is highly conserved in available vertebrate species. In silico splice site analysis predicts that this alteration will weaken the native splice donor site. Based on the available evidence, this alteration is classified as likely pathogenic.

NM_017617.5(NOTCH1):c.742G>C (p.Gly248Arg)

Gene: NOTCH1 (notch receptor 1; minus strand). Cytogenetic location: 9q34.3.
Variant type: single nucleotide variant.
Coding change: c.742G>C on transcript NM_017617.5 (MANE Select); coding-DNA position 742, G replaced by C.
Protein change: p.Gly248Arg; replaces glycine 248 with arginine.
Molecular consequence: missense variant.
Genome position (GRCh38, 1-based): chr9:136,522,850, C>G on the plus strand (G>C on the coding strand, the complement: NOTCH1 is on the minus strand). VCF-style: chr9-136522850-C-G. GRCh37 (hg19) VCF-style: chr9-139417302-C-G.
Other names: short protein forms G248R.
Identifiers: ClinVar variation 3921067 (VCV003921067.1).